The following is an entry in ClinVar:

ClinVar aggregate classification (germline): Uncertain significance (1 of 4 stars; one submission).

Allele frequency attached by ClinVar (database versions not stated): gnomAD exomes below 0.00001.
gnomAD v4.1: 2 of 1,611,126 alleles (0.00012%); highest among the groups gnomAD compares: East Asian, 0.0045%; no homozygotes.

Submission:

Labcorp Genetics (formerly Invitae), Labcorp
Classification: Uncertain significance. Last evaluated: 2023-08-10. Review status: criteria provided, single submitter. Criteria: Invitae Variant Classification Sherloc (09022015). Collection method: clinical testing. Allele origin: germline.
Comment: In summary, the available evidence is currently insufficient to determine the role of this variant in disease. Therefore, it has been classified as a Variant of Uncertain Significance. Variants that disrupt the consensus splice site are a relatively common cause of aberrant splicing (PMID: 17576681, 9536098). Algorithms developed to predict the effect of sequence changes on RNA splicing suggest that this variant is not likely to affect RNA splicing. ClinVar contains an entry for this variant (Variation ID: 960901). This variant has not been reported in the literature in individuals affected with COL2A1-related conditions. This variant is not present in population databases (gnomAD no frequency). This sequence change falls in intron 45 of the COL2A1 gene. It does not directly change the encoded amino acid sequence of the COL2A1 protein. It affects a nucleotide within the consensus splice site.

Literature cited by the submitters: PubMed 17576681; PubMed 9536098.

NM_001844.5(COL2A1):c.3166-3C>T

Gene: COL2A1 (collagen type II alpha 1 chain; minus strand). Cytogenetic location: 12q13.11.
Variant type: single nucleotide variant.
Coding change: c.3166-3C>T on transcript NM_001844.5 (MANE Select); 3 bases into the intron before coding-DNA position 3166, C replaced by T.
Molecular consequence: intron variant.
Genome position (GRCh38, 1-based): chr12:47,977,430, G>A on the plus strand (C>T on the coding strand, the complement: COL2A1 is on the minus strand). VCF-style: chr12-47977430-G-A. GRCh37 (hg19) VCF-style: chr12-48371213-G-A.
Other names: c.2959-3C>T (NM_033150.3).
Identifiers: ClinVar variation 960901 (VCV000960901.7), dbSNP rs937072086, ClinGen allele CA236521030.